The following is an entry in ClinVar:

NC_000016.9:g.(?_46694384)_(46764630_?)dup

Genes: MYLK3 (myosin light chain kinase 3; minus strand), ORC6 (origin recognition complex subunit 6; plus strand), VPS35 (VPS35 retromer complex component; minus strand). Cytogenetic location: 16q11.2.
Variant type: Duplication.
Identifiers: ClinVar variation 3243676 (VCV003243676.1).

ClinVar aggregate classification (germline): Uncertain significance (1 of 4 stars; one submission).

Submission:

Labcorp Genetics (formerly Invitae), Labcorp
Classification: Uncertain significance. Last evaluated: 2023-03-02. Review status: criteria provided, single submitter. Criteria: Invitae Variant Classification Sherloc (09022015). Collection method: clinical testing. Allele origin: unknown.
Comment: This variant results in a copy number gain of the genomic region encompassing exon(s) 5-13 of the MYLK3 gene. This region includes the termination codon of the gene. This copy number gain extends beyond the assayed region for this gene and therefore may encompass additional genes. As the precise location of this event is unknown, it may be in tandem or it may be located elsewhere in the genome. This variant has not been reported in the literature in individuals affected with MYLK3-related conditions. In summary, the available evidence is currently insufficient to determine the role of this variant in disease. Therefore, it has been classified as a Variant of Uncertain Significance.